The following is an entry in ClinVar:

ClinVar aggregate classification (germline): Likely benign (1 of 4 stars; one submission).

gnomAD v4.1: 16 of 1,550,666 alleles (0.001%); highest among the groups gnomAD compares: Middle Eastern, 0.017%; no homozygotes.

Submission:

CeGaT Center for Human Genetics Tuebingen
Classification: Likely benign. Last evaluated: 2026-04-01. Review status: criteria provided, single submitter. Criteria: CeGaT Center For Human Genetics Tuebingen Variant Classification Criteria Version 2. Collection method: clinical testing. Allele origin: germline. Affected: yes. Observed: 1 variant allele.
Comment: SETD1B: BP4, BP7

NM_001353345.2(SETD1B):c.1740C>T (p.Ser580=)

Gene: SETD1B (SET domain containing 1B, histone lysine methyltransferase; plus strand). Cytogenetic location: 12q24.31.
Variant type: single nucleotide variant.
Coding change: c.1740C>T on transcript NM_001353345.2 (MANE Select); coding-DNA position 1740, C replaced by T.
Protein change: p.Ser580=; no amino-acid change (serine 580 retained).
Molecular consequence: synonymous variant.
Genome position (GRCh38, 1-based): chr12:121,810,685, C>T. VCF-style: chr12-121810685-C-T. GRCh37 (hg19) VCF-style: chr12-122248591-C-T.
Identifiers: ClinVar variation 4871919 (VCV004871919.2).